The following is an entry in ClinVar:

NM_183357.3(ADCY5):c.169C>T (p.Pro57Ser)

Gene: ADCY5 (adenylate cyclase 5; minus strand). Cytogenetic location: 3q21.1.
Variant type: single nucleotide variant.
Coding change: c.169C>T on transcript NM_183357.3 (MANE Select); coding-DNA position 169, C replaced by T.
Protein change: p.Pro57Ser; replaces proline 57 with serine.
Molecular consequence: missense variant.
Genome position (GRCh38, 1-based): chr3:123,448,377, G>A on the plus strand (C>T on the coding strand, the complement: ADCY5 is on the minus strand). VCF-style: chr3-123448377-G-A. GRCh37 (hg19) VCF-style: chr3-123167224-G-A.
Other names: c.169C>T, p.Pro57Ser (NM_001378259.1); short protein forms P57S.
Identifiers: ClinVar variation 1500453 (VCV001500453.6), dbSNP rs1199435756, ClinGen allele CA354358777.
Genomic context (GRCh38, chr3:123,448,377, plus strand): 5'-CGTCGCTGCGCCAGCGGCTGGCCAGGCGCTGCTGCTGCTGCGGGGTCACCGCCCCCCCGG[G>A]TTTCTTGGTGGAGCCGCGGGCAGAGCCCCCGGGGGCATGGGGGTAGCCATTCGCGCGGGA-3'
Protein context (NP_899200.1, residues 47-67): GGSARGSTKK[Pro57Ser]GGAVTPQQQQ

ClinVar aggregate classification (germline): Uncertain significance (1 of 4 stars; one submission).

Allele frequency attached by ClinVar (database versions not stated): gnomAD exomes below 0.00001; TOPMed below 0.00001.
gnomAD v4.1: 1 of 1,478,542 alleles (0.000068%); highest among the groups gnomAD compares: Non-Finnish European, 0.000089%; no homozygotes.

Submission:

Labcorp Genetics (formerly Invitae), Labcorp
Classification: Uncertain significance. Last evaluated: 2021-09-06. Review status: criteria provided, single submitter. Criteria: Invitae Variant Classification Sherloc (09022015). Collection method: clinical testing. Allele origin: germline.
Comment: This sequence change replaces proline with serine at codon 57 of the ADCY5 protein (p.Pro57Ser). The proline residue is weakly conserved and there is a moderate physicochemical difference between proline and serine. In summary, the available evidence is currently insufficient to determine the role of this variant in disease. Therefore, it has been classified as a Variant of Uncertain Significance. Advanced modeling of protein sequence and biophysical properties (such as structural, functional, and spatial information, amino acid conservation, physicochemical variation, residue mobility, and thermodynamic stability) performed at Invitae indicates that this missense variant is not expected to disrupt ADCY5 protein function. This variant has not been reported in the literature in individuals affected with ADCY5-related conditions. The frequency data for this variant in the population databases is considered unreliable, as metrics indicate insufficient coverage at this position in the ExAC database.